The following is an entry in ClinVar:

ClinVar aggregate classification (germline): Uncertain significance (1 of 4 stars; one submission).

Conditions:
Duchenne muscular dystrophy (DMD). Also called: MUSCULAR DYSTROPHY, PSEUDOHYPERTROPHIC PROGRESSIVE, DUCHENNE TYPE; Duchenne Muscular Dystrophy (DMD). Identifiers: Orphanet 98896, MedGen C0013264, MONDO:0010679, OMIM 310200.

Submission:

Labcorp Genetics (formerly Invitae), Labcorp
Classification: Uncertain significance for Duchenne muscular dystrophy. Last evaluated: 2023-03-08. Review status: criteria provided, single submitter. Criteria: Invitae Variant Classification Sherloc (09022015). Collection method: clinical testing. Allele origin: germline.
Comment: This variant has not been reported in the literature in individuals affected with DMD-related conditions. This variant is not present in population databases (gnomAD no frequency). This sequence change replaces leucine, which is neutral and non-polar, with histidine, which is basic and polar, at codon 235 of the DMD protein (p.Leu235His). Advanced modeling of protein sequence and biophysical properties (such as structural, functional, and spatial information, amino acid conservation, physicochemical variation, residue mobility, and thermodynamic stability) has been performed at Invitae for this missense variant, however the output from this modeling did not meet the statistical confidence thresholds required to predict the impact of this variant on DMD protein function. In summary, the available evidence is currently insufficient to determine the role of this variant in disease. Therefore, it has been classified as a Variant of Uncertain Significance.

NM_004006.3(DMD):c.704T>A (p.Leu235His)

Gene: DMD (dystrophin; minus strand). Cytogenetic location: Xp21.1.
Variant type: single nucleotide variant.
Coding change: c.704T>A on transcript NM_004006.3 (MANE Select); coding-DNA position 704, T replaced by A.
Protein change: p.Leu235His; replaces leucine 235 with histidine.
Molecular consequence: missense variant.
Genome position (GRCh38, 1-based): chrX:32,699,239, A>T on the plus strand (T>A on the coding strand, the complement: DMD is on the minus strand). VCF-style: chrX-32699239-A-T. GRCh37 (hg19) VCF-style: chrX-32717356-A-T.
Other names: c.680T>A, p.Leu227His (NM_000109.4); c.692T>A, p.Leu231His (NM_004009.3); c.335T>A, p.Leu112His (NM_004010.3); short protein forms L231H, L227H, L112H, L235H.
Identifiers: ClinVar variation 3001711 (VCV003001711.3), dbSNP rs2521193622, ClinGen allele CA412669069.